The following is an entry in ClinVar:

ClinVar aggregate classification (germline): Uncertain significance (1 of 4 stars; one submission).

Conditions:
Renal cell carcinoma. Identifiers: Orphanet 217071, MedGen C0007134, MeSH D002292, MONDO:0005086, HP:0005584.

Allele frequency attached by ClinVar (database versions not stated): gnomAD exomes below 0.00001.
gnomAD v4.1: 1 of 1,613,784 alleles (0.000062%); highest among the groups gnomAD compares: Non-Finnish European, 0.000085%; no homozygotes.

Submission:

Labcorp Genetics (formerly Invitae), Labcorp
Classification: Uncertain significance for Renal cell carcinoma. Last evaluated: 2024-04-19. Review status: criteria provided, single submitter. Criteria: Invitae Variant Classification Sherloc (09022015). Collection method: clinical testing. Allele origin: germline.
Comment: This sequence change falls in intron 19 of the MET gene. It does not directly change the encoded amino acid sequence of the MET protein. It affects a nucleotide within the consensus splice site. This variant is not present in population databases (gnomAD no frequency). This variant has not been reported in the literature in individuals affected with MET-related conditions. ClinVar contains an entry for this variant (Variation ID: 1422901). Variants that disrupt the consensus splice site are a relatively common cause of aberrant splicing (PMID: 17576681, 9536098). Algorithms developed to predict the effect of sequence changes on RNA splicing suggest that this variant is not likely to affect RNA splicing. In summary, the available evidence is currently insufficient to determine the role of this variant in disease. Therefore, it has been classified as a Variant of Uncertain Significance.

Literature cited by the submitters: PubMed 17576681; PubMed 9536098.

NM_000245.4(MET):c.3799-3T>A

Gene: MET (MET proto-oncogene, receptor tyrosine kinase; plus strand). Cytogenetic location: 7q31.2.
Variant type: single nucleotide variant.
Coding change: c.3799-3T>A on transcript NM_000245.4 (MANE Select); 3 bases into the intron before coding-DNA position 3799, T replaced by A.
Molecular consequence: intron variant.
Genome position (GRCh38, 1-based): chr7:116,795,652, T>A. VCF-style: chr7-116795652-T-A. GRCh37 (hg19) VCF-style: chr7-116435706-T-A.
Other names: c.3853-3T>A (NM_001127500.3); c.2509-3T>A (NM_001324402.2).
Identifiers: ClinVar variation 1422901 (VCV001422901.5), dbSNP rs1584977801, ClinGen allele CA2573141508.